The following is an entry in ClinVar:

NM_030957.4(ADAMTS10):c.2005G>T (p.Val669Leu)

Gene: ADAMTS10 (ADAM metallopeptidase with thrombospondin type 1 motif 10; minus strand). Cytogenetic location: 19p13.2.
Variant type: single nucleotide variant.
Coding change: c.2005G>T on transcript NM_030957.4 (MANE Select); coding-DNA position 2005, G replaced by T.
Protein change: p.Val669Leu; replaces valine 669 with leucine.
Molecular consequence: missense variant.
Genome position (GRCh38, 1-based): chr19:8,589,481, C>A on the plus strand (G>T on the coding strand, the complement: ADAMTS10 is on the minus strand). VCF-style: chr19-8589481-C-A. GRCh37 (hg19) VCF-style: chr19-8654365-C-A.
Other names: c.466G>T, p.Val156Leu (NM_001282352.2); short protein forms V669L, V156L.
Identifiers: ClinVar variation 330592 (VCV000330592.6), dbSNP rs144596955, ClinGen allele CA9160281.
Genomic context (GRCh38, chr19:8,589,481, plus strand): 5'-CCCTCTCCACCTCCCTGGGAGTCCCCTCCACCTTGCATTCGCCACTGACGCAAATGTCCA[C>A]CGTGTCTGGACGGCAGGGTGTCCCGTCCACCACGGCTGCCGCCCTCTCCGTGTAGAAGTT-3'
Protein context (NP_112219.3, residues 659-679): VDGTPCRPDT[Val669Leu]DICVSGECKH

ClinVar aggregate classification (germline): Uncertain significance. Review status: criteria provided, multiple submitters, no conflicts (2 of 4 stars). 2 submissions from 2 submitters: Uncertain significance (2). Last evaluated 2022-03-16.

Conditions:
Weill-Marchesani syndrome. Also called: WM Syndrome; Mesodermal dysmorphodystrophy congenital. Identifiers: Orphanet 3449, MedGen C0265313, MONDO:0018096.

gnomAD v4.1: 4 of 1,613,568 alleles (0.00025%); highest among the groups gnomAD compares: Admixed American, 0.0067%; no homozygotes.

Submissions (2):

Labcorp Genetics (formerly Invitae), Labcorp
Classification: Uncertain significance. Last evaluated: 2022-03-16. Review status: criteria provided, single submitter. Criteria: Invitae Variant Classification Sherloc (09022015). Collection method: clinical testing. Allele origin: germline.
Comment: This sequence change replaces valine, which is neutral and non-polar, with leucine, which is neutral and non-polar, at codon 669 of the ADAMTS10 protein (p.Val669Leu). This variant is present in population databases (rs144596955, gnomAD 0.006%). This variant has not been reported in the literature in individuals affected with ADAMTS10-related conditions. ClinVar contains an entry for this variant (Variation ID: 330592). Algorithms developed to predict the effect of missense changes on protein structure and function (SIFT, PolyPhen-2, Align-GVGD) all suggest that this variant is likely to be tolerated. In summary, the available evidence is currently insufficient to determine the role of this variant in disease. Therefore, it has been classified as a Variant of Uncertain Significance.

Illumina Laboratory Services, Illumina
Classification: Uncertain significance for Weill-Marchesani syndrome. Last evaluated: 2018-01-13. Review status: criteria provided, single submitter. Criteria: ICSL Variant Classification Criteria 13 December 2019. Collection method: clinical testing. Allele origin: germline.